The following is an entry in ClinVar:

ClinVar aggregate classification (germline): Uncertain significance (1 of 4 stars; one submission).

Allele frequency attached by ClinVar (database versions not stated): gnomAD exomes below 0.00001.
gnomAD v4.1: 2 of 1,614,174 alleles (0.00012%); highest among the groups gnomAD compares: Non-Finnish European, 0.00017%; no homozygotes.

Submission:

GeneDx
Classification: Uncertain significance. Last evaluated: 2022-07-07. Review status: criteria provided, single submitter. Criteria: GeneDx Variant Classification Process June 2021. Collection method: clinical testing. Allele origin: germline. Affected: yes.
Comment: Not observed at significant frequency in large population cohorts (gnomAD); In silico analysis supports that this missense variant does not alter protein structure/function; Has not been previously published as pathogenic or benign to our knowledge

NM_018117.12(WDR11):c.2890G>A (p.Asp964Asn)

Gene: WDR11 (WD repeat domain 11; plus strand). Cytogenetic location: 10q26.12.
Variant type: single nucleotide variant.
Coding change: c.2890G>A on transcript NM_018117.12 (MANE Select); coding-DNA position 2890, G replaced by A.
Protein change: p.Asp964Asn; replaces aspartic acid 964 with asparagine.
Molecular consequence: missense variant.
Genome position (GRCh38, 1-based): chr10:120,903,191, G>A. VCF-style: chr10-120903191-G-A. GRCh37 (hg19) VCF-style: chr10-122662703-G-A.
Other names: short protein forms D964N.
Identifiers: ClinVar variation 1810442 (VCV001810442.1), dbSNP rs2493380248, ClinGen allele CA378313212.